The following is an entry in ClinVar:

ClinVar aggregate classification (germline): Uncertain significance (1 of 4 stars; one submission).

Conditions:
Familial cancer of breast. Also called: BREAST CANCER, FAMILIAL; Hereditary breast cancer; hereditary breast carcinoma. Identifiers: Orphanet 227535, MedGen C0346153, MONDO:0016419, OMIM 114480. Disease mechanism: loss of function.

Submission:

Labcorp Genetics (formerly Invitae), Labcorp
Classification: Uncertain significance for Familial cancer of breast. Last evaluated: 2022-02-23. Review status: criteria provided, single submitter. Criteria: Invitae Variant Classification Sherloc (09022015). Collection method: clinical testing. Allele origin: germline.
Comment: This sequence change replaces cysteine, which is neutral and slightly polar, with tryptophan, which is neutral and slightly polar, at codon 620 of the BARD1 protein (p.Cys620Trp). In summary, the available evidence is currently insufficient to determine the role of this variant in disease. Therefore, it has been classified as a Variant of Uncertain Significance. Algorithms developed to predict the effect of missense changes on protein structure and function are either unavailable or do not agree on the potential impact of this missense change (SIFT: "Deleterious"; PolyPhen-2: "Probably Damaging"; Align-GVGD: "Class C15"). ClinVar contains an entry for this variant (Variation ID: 951824). This variant has not been reported in the literature in individuals affected with BARD1-related conditions. This variant is not present in population databases (gnomAD no frequency).

NM_000465.4(BARD1):c.1860T>G (p.Cys620Trp)

Gene: BARD1 (BRCA1 associated RING domain 1; minus strand). Cytogenetic location: 2q35.
Variant type: single nucleotide variant.
Coding change: c.1860T>G on transcript NM_000465.4 (MANE Select); coding-DNA position 1860, T replaced by G.
Protein change: p.Cys620Trp; replaces cysteine 620 with tryptophan.
Molecular consequence: missense variant. On other transcripts: non-coding transcript variant (3), intron variant (1).
Genome position (GRCh38, 1-based): chr2:214,745,110, A>C on the plus strand (T>G on the coding strand, the complement: BARD1 is on the minus strand). VCF-style: chr2-214745110-A-C. GRCh37 (hg19) VCF-style: chr2-215609834-A-C.
Other names: c.1803T>G, p.Cys601Trp (NM_001282543.2); c.507T>G, p.Cys169Trp (NM_001282545.2); c.450T>G, p.Cys150Trp (NM_001282548.2); c.365-14602T>G (NM_001282549.2); short protein forms C150W, C169W, C601W, C620W.
Identifiers: ClinVar variation 951824 (VCV000951824.10), dbSNP rs1693039577, ClinGen allele CA350452171.